The following is an entry in ClinVar:

NM_001029883.3(PCARE):c.3521_3538del (p.Asp1174_Ala1179del)

Gene: PCARE (photoreceptor cilium actin regulator; minus strand). Cytogenetic location: 2p23.2.
Variant type: Deletion.
Coding change: c.3521_3538del on transcript NM_001029883.3 (MANE Select); coding-DNA positions 3521 to 3538, 18 bases deleted (ACTCGCAGCGGAGAGCAG).
Protein change: p.Asp1174_Ala1179del.
Molecular consequence: inframe deletion.
Genome position (GRCh38, 1-based): chr2:29,070,724-29,070,741, CTGCTCTCCGCTGCGAGT deleted on the plus strand (ACTCGCAGCGGAGAGCAG on the coding strand, the reverse complement: PCARE is on the minus strand); deleting any 18 consecutive bases within chr2:29,070,724-29,070,749 gives the same sequence; the c. name uses the placement nearest the transcript's 3' end. VCF-style (leftmost placement, unchanged base first): chr2-29070723-GCTGCTCTCCGCTGCGAGT-G. GRCh37 (hg19) VCF-style: chr2-29293589-GCTGCTCTCCGCTGCGAGT-G.
Other names: c.3521_3538del18 (NM_001029883.2).
Identifiers: ClinVar variation 1406599 (VCV001406599.7), dbSNP rs773072098, ClinGen allele CA1591900.

ClinVar aggregate classification (germline): Uncertain significance. Review status: criteria provided, multiple submitters, no conflicts (2 of 4 stars). 3 submissions from 3 submitters: Uncertain significance (3). Last evaluated 2026-01-23.

Conditions:
PCARE-related disorder. Also called: PCARE-related condition.

Submissions (3):

PreventionGenetics, part of Exact Sciences
Classification: Uncertain significance for PCARE-related condition. Last evaluated: 2026-01-23. Review status: criteria provided, single submitter. Criteria: ACMG Guidelines, 2015. Collection method: clinical testing. Allele origin: germline.
Comment: The PCARE c.3521_3538del18 variant is predicted to result in an in-frame deletion (p.Asp1174_Ala1179del). This variant was reported, along with a second protein-truncating variant, in an individual with non-syndromic retinitis pigmentosa (supplementary data, Sather et al. 2023. PubMed ID: 37446072). This variant is reported in 0.0065% of alleles in individuals of African descent in gnomAD. At this time, the clinical significance of this variant is uncertain due to the absence of conclusive functional and genetic evidence.

Blueprint Genetics
Classification: Uncertain significance. Last evaluated: 2024-04-23. Review status: criteria provided, single submitter. Criteria: ACMG Guidelines, 2015. Collection method: clinical testing. Allele origin: germline.

Labcorp Genetics (formerly Invitae), Labcorp
Classification: Uncertain significance. Last evaluated: 2021-08-31. Review status: criteria provided, single submitter. Criteria: Invitae Variant Classification Sherloc (09022015). Collection method: clinical testing. Allele origin: germline.
Comment: This variant, c.3521_3538del, results in the deletion of 6 amino acid(s) of the PCARE protein (p.Asp1174_Ala1179del), but otherwise preserves the integrity of the reading frame. The frequency data for this variant in the population databases is considered unreliable, as metrics indicate poor data quality at this position in the ExAC database. This variant has not been reported in the literature in individuals affected with PCARE-related conditions. Experimental studies and prediction algorithms are not available or were not evaluated, and the functional significance of this variant is currently unknown. In summary, the available evidence is currently insufficient to determine the role of this variant in disease. Therefore, it has been classified as a Variant of Uncertain Significance.